The following is an entry in ClinVar:

ClinVar aggregate classification (germline): Uncertain significance. Review status: criteria provided, multiple submitters, no conflicts (2 of 4 stars). 2 submissions from 2 submitters: Uncertain significance (2). Last evaluated 2024-05-15.

Conditions:
Developmental and epileptic encephalopathy, 50 (DEE50). Also called: Epileptic encephalopathy, early infantile, 50. Identifiers: Orphanet 448010, MedGen C4225320, MONDO:0014647, OMIM 616457.

Allele frequency attached by ClinVar (database versions not stated): ExAC 0.00002; ESP Exome Variant Server 0.00008; gnomAD 0.00001; gnomAD exomes 0.00001 and 0.00002; TOPMed 0.00001.
gnomAD v4.1: 9 of 1,613,150 alleles (0.00056%); highest among the groups gnomAD compares: Middle Eastern, 0.016%; no homozygotes.

Submissions (2):

Revvity Omics, Revvity
Classification: Uncertain significance for Developmental and epileptic encephalopathy, 50. Last evaluated: 2024-05-15. Review status: criteria provided, single submitter. Criteria: ACMG Guidelines, 2015. Collection method: clinical testing. Allele origin: germline.

Labcorp Genetics (formerly Invitae), Labcorp
Classification: Uncertain significance. Last evaluated: 2022-02-02. Review status: criteria provided, single submitter. Criteria: Invitae Variant Classification Sherloc (09022015). Collection method: clinical testing. Allele origin: germline.
Comment: This sequence change replaces threonine, which is neutral and polar, with methionine, which is neutral and non-polar, at codon 614 of the CAD protein (p.Thr614Met). This variant is present in population databases (rs147386890, gnomAD 0.006%). This variant has not been reported in the literature in individuals affected with CAD-related conditions. Algorithms developed to predict the effect of missense changes on protein structure and function are either unavailable or do not agree on the potential impact of this missense change (SIFT: "Deleterious"; PolyPhen-2: "Probably Damaging"; Align-GVGD: "Class C0"). In summary, the available evidence is currently insufficient to determine the role of this variant in disease. Therefore, it has been classified as a Variant of Uncertain Significance.

NM_004341.5(CAD):c.1841C>T (p.Thr614Met)

Gene: CAD (carbamoyl-phosphate synthetase 2, aspartate transcarbamylase, and dihydroorotase; plus strand). Cytogenetic location: 2p23.3.
Variant type: single nucleotide variant.
Coding change: c.1841C>T on transcript NM_004341.5 (MANE Select); coding-DNA position 1841, C replaced by T.
Protein change: p.Thr614Met; replaces threonine 614 with methionine.
Molecular consequence: missense variant.
Genome position (GRCh38, 1-based): chr2:27,225,925, C>T. VCF-style: chr2-27225925-C-T. GRCh37 (hg19) VCF-style: chr2-27448793-C-T.
Other names: c.1841C>T, p.Thr614Met (NM_001306079.2); short protein forms T614M.
Identifiers: ClinVar variation 1498458 (VCV001498458.6), dbSNP rs147386890, ClinGen allele CA1572833.